The following is an entry in ClinVar:

ClinVar aggregate classification (germline): Uncertain significance (1 of 4 stars; one submission).

Conditions:
Carney complex, type 1 (CNC1). Also called: CARNEY COMPLEX, TYPE I; CARNEY MYXOMA-ENDOCRINE COMPLEX. Identifiers: Orphanet 1359, MedGen C2607929, MONDO:0008057, OMIM 160980.

Submission:

Labcorp Genetics (formerly Invitae), Labcorp
Classification: Uncertain significance for Carney complex, type 1. Last evaluated: 2025-02-10. Review status: criteria provided, single submitter. Criteria: Invitae Variant Classification Sherloc (09022015). Collection method: clinical testing. Allele origin: germline.
Comment: This sequence change replaces lysine, which is basic and polar, with glutamic acid, which is acidic and polar, at codon 216 of the PRKAR1A protein (p.Lys216Glu). This variant is not present in population databases (gnomAD no frequency). This variant has not been reported in the literature in individuals affected with PRKAR1A-related conditions. Invitae Evidence Modeling of protein sequence and biophysical properties (such as structural, functional, and spatial information, amino acid conservation, physicochemical variation, residue mobility, and thermodynamic stability) has been performed for this missense variant. However, the output from this modeling did not meet the statistical confidence thresholds required to predict the impact of this variant on PRKAR1A protein function. In summary, the available evidence is currently insufficient to determine the role of this variant in disease. Therefore, it has been classified as a Variant of Uncertain Significance.

NM_002734.5(PRKAR1A):c.646A>G (p.Lys216Glu)

Gene: PRKAR1A (protein kinase cAMP-dependent type I regulatory subunit alpha; plus strand). Cytogenetic location: 17q24.2.
Variant type: single nucleotide variant.
Coding change: c.646A>G on transcript NM_002734.5 (MANE Select); coding-DNA position 646, A replaced by G.
Protein change: p.Lys216Glu; replaces lysine 216 with glutamic acid.
Molecular consequence: missense variant.
Genome position (GRCh38, 1-based): chr17:68,525,850, A>G. VCF-style: chr17-68525850-A-G. GRCh37 (hg19) VCF-style: chr17-66521991-A-G.
Other names: c.646A>G, p.Lys216Glu (NM_001276289.2, NM_001276290.1, NM_001278433.2 and 4 more transcripts); short protein forms K216E.
Identifiers: ClinVar variation 4709595 (VCV004709595.1).
Genomic context (GRCh38, chr17:68,525,850, plus strand): 5'-GAAGGAGGGAGCTTTGGAGAACTTGCTTTGATTTATGGAACACCGAGAGCAGCCACTGTC[A>G]AAGCAAAGACAAATGTGAAATTGTGGGGCATCGACCGAGACAGCTATAGAAGAATCCTCA-3'
Protein context (NP_002725.1, residues 206-226): IYGTPRAATV[Lys216Glu]AKTNVKLWGI